The following is an entry in ClinVar:

NM_020166.5(MCCC1):c.1003G>T (p.Glu335Ter)

Gene: MCCC1 (methylcrotonyl-CoA carboxylase subunit 1; minus strand). Cytogenetic location: 3q27.1.
Variant type: single nucleotide variant.
Coding change: c.1003G>T on transcript NM_020166.5 (MANE Select); coding-DNA position 1003, G replaced by T.
Protein change: p.Glu335Ter; replaces glutamic acid 335 with a stop codon.
Molecular consequence: nonsense. On other transcripts: non-coding transcript variant (2).
Genome position (GRCh38, 1-based): chr3:183,045,493, C>A on the plus strand (G>T on the coding strand, the complement: MCCC1 is on the minus strand). VCF-style: chr3-183045493-C-A. GRCh37 (hg19) VCF-style: chr3-182763281-C-A.
Other names: c.652G>T, p.Glu218Ter (NM_001293273.2); c.676G>T, p.Glu226Ter (NM_001363880.1); short protein forms E218*, E335*, E226*.
Identifiers: ClinVar variation 2955980 (VCV002955980.3), dbSNP rs2530194420, ClinGen allele CA355325292.

ClinVar aggregate classification (germline): Pathogenic (1 of 4 stars; one submission).

Conditions:
3-methylcrotonyl-CoA carboxylase 1 deficiency (MCC1D). Also called: MCCD TYPE 1; METHYLCROTONYLGLYCINURIA TYPE I; MCC 1 deficiency; 3 Alpha methylcrotonylglycinuria 1. Identifiers: Orphanet 6, MedGen CN028786, MONDO:0008861, OMIM 210200.

Submission:

Labcorp Genetics (formerly Invitae), Labcorp
Classification: Pathogenic for 3-methylcrotonyl-CoA carboxylase 1 deficiency. Last evaluated: 2025-07-16. Review status: criteria provided, single submitter. Criteria: Invitae Variant Classification Sherloc (09022015). Collection method: clinical testing. Allele origin: germline.
Comment: This sequence change creates a premature translational stop signal (p.Glu335*) in the MCCC1 gene. It is expected to result in an absent or disrupted protein product. Loss-of-function variants in MCCC1 are known to be pathogenic (PMID: 11181649, 15359379, 22642865). This variant is not present in population databases (gnomAD no frequency). This variant has not been reported in the literature in individuals affected with MCCC1-related conditions. ClinVar contains an entry for this variant (Variation ID: 2955980). Algorithms developed to predict the effect of sequence changes on RNA splicing suggest that this variant may disrupt the consensus splice site. For these reasons, this variant has been classified as Pathogenic.

Literature cited by the submitters: PubMed 11181649; PubMed 15359379; PubMed 22642865.